The following is an entry in ClinVar:

NM_000108.5(DLD):c.1436A>T (p.Asp479Val)

Gene: DLD (dihydrolipoamide dehydrogenase; plus strand). Cytogenetic location: 7q31.1.
Variant type: single nucleotide variant.
Coding change: c.1436A>T on transcript NM_000108.5 (MANE Select); coding-DNA position 1436, A replaced by T.
Protein change: p.Asp479Val; replaces aspartic acid 479 with valine.
Molecular consequence: missense variant.
Genome position (GRCh38, 1-based): chr7:107,919,071, A>T. VCF-style: chr7-107919071-A-T. GRCh37 (hg19) VCF-style: chr7-107559516-A-T.
Other names: c.1139A>T, p.Asp380Val (NM_001289750.1); c.1367A>T, p.Asp456Val (NM_001289751.1); c.1292A>T, p.Asp431Val (NM_001289752.1); short protein forms D479V, D456V, D431V, D380V.
Identifiers: ClinVar variation 40186 (VCV000040186.15), dbSNP rs397514649, ClinGen allele CA261256.

ClinVar aggregate classification (germline): Pathogenic/Likely pathogenic. Review status: criteria provided, multiple submitters, no conflicts (2 of 4 stars). 8 submissions from 8 submitters: Pathogenic (6); Likely pathogenic (1). 1 of the submissions does not count toward it. Last evaluated 2025-09-01.

Conditions:
DLD-related disorder. Also called: DLD-related condition; DLD-related disorders.
Pyruvate dehydrogenase E3 deficiency (DLDD). Also called: Lipoamide dehydrogenase deficiency; Lipoamide dehydrogenase deficiency, lactic acidosis due to; Dihydrolipoamide Dehydrogenase Deficiency; Dihydrolipoamide Dehydrogenase E3 Deficiency; Dihydrolipoamide Dehydrogenase (E3) Deficiency; MAPLE SYRUP URINE DISEASE, TYPE III. Identifiers: Orphanet 2394, Orphanet 765, MedGen C5574660, MONDO:0009529, OMIM 246900.
Lactic acidosis. Identifiers: MedGen C0001125, MONDO:0006040, HP:0003128.

Submissions (8):

Victorian Clinical Genetics Services, Murdoch Childrens Research Institute
Classification: Pathogenic for Pyruvate dehydrogenase E3 deficiency. Last evaluated: 2025-09-01. Review status: criteria provided, single submitter. Criteria: ACMG Guidelines, 2015. Collection method: clinical testing. Allele origin: germline.
Comment: This variant is classified as Pathogenic. Evidence in support of pathogenic classification: Variant is absent from gnomAD; This variant has very strong previous evidence of pathogenicity in unrelated individuals. It has been classified pathogenic and likely pathogenic by clinical laboratories in ClinVar. This variant has been reported homozygous in multiple patients with deficiency in dihydrolipoamide dehydrogenase (DLD) and/or pyruvate dehydrogenase complex (PDHc) (PMIDs: 10448086, 21996136, 23995961); This variant has strong functional evidence supporting abnormal protein function. DLD activity level was reduced in patients (PMIDs: 10448086, 23995961); Missense variant consistently predicted to be damaging by multiple in silico tools or highly conserved with a major amino acid change. Additional information: Variant is predicted to result in a missense amino acid change from aspartic acid to valine (exon 13); This variant is heterozygous; This gene is associated with autosomal recessive disease; Alternative amino acid change(s) at the same position are present in gnomAD (v4: 2 heterozygote(s), 0 homozygote(s)); Variant is located in an annotated domain or motif (pyridine nucleotide-disulphide oxidoreductase, dimerisation domain; PDB); Loss of function is a known mechanism of disease in this gene and is associated with Dihydrolipoamide dehydrogenase deficiency (MIM#246900).

Clinical Genetics Laboratory, Skane University Hospital Lund
Classification: Pathogenic for Lactic acidosis. Last evaluated: 2024-10-21. Review status: criteria provided, single submitter. Criteria: ACMG Guidelines, 2015. Collection method: clinical testing. Allele origin: biparental. Inheritance: Autosomal recessive inheritance. Affected: yes.
Comment: ACMG criteria used: PS3, PS4, PM2, PP3

Genomic Medicine Center of Excellence, King Faisal Specialist Hospital and Research Centre
Classification: Pathogenic for Pyruvate dehydrogenase E3 deficiency. Last evaluated: 2024-03-17. Review status: criteria provided, single submitter. Criteria: ACMG Guidelines, 2015. Collection method: research. Allele origin: germline.

Labcorp Genetics (formerly Invitae), Labcorp
Classification: Pathogenic for Pyruvate dehydrogenase E3 deficiency. Last evaluated: 2024-01-18. Review status: criteria provided, single submitter. Criteria: Invitae Variant Classification Sherloc (09022015). Collection method: clinical testing. Allele origin: germline.
Comment: This sequence change replaces aspartic acid, which is acidic and polar, with valine, which is neutral and non-polar, at codon 479 of the DLD protein (p.Asp479Val). This variant is not present in population databases (gnomAD no frequency). This missense change has been observed in individual(s) with dihydrolipoamide dehydrogenase deficiency (PMID: 10448086, 21996136, 23995961). This variant is also known as p.Asp444Val. ClinVar contains an entry for this variant (Variation ID: 40186). Advanced modeling of protein sequence and biophysical properties (such as structural, functional, and spatial information, amino acid conservation, physicochemical variation, residue mobility, and thermodynamic stability) performed at Invitae indicates that this missense variant is expected to disrupt DLD protein function with a positive predictive value of 80%. Experimental studies have shown that this missense change affects DLD function (PMID: 17404228, 21558426, 21930696, 27544700). Algorithms developed to predict the effect of sequence changes on RNA splicing suggest that this variant may disrupt the consensus splice site. For these reasons, this variant has been classified as Pathogenic.

Revvity Omics, Revvity
Classification: Likely pathogenic for Pyruvate dehydrogenase E3 deficiency. Last evaluated: 2022-09-05. Review status: criteria provided, single submitter. Criteria: ACMG Guidelines, 2015. Collection method: clinical testing. Allele origin: germline.

Blueprint Genetics
Classification: Pathogenic for DLD-related disorders. Last evaluated: 2021-01-07. Review status: criteria provided, single submitter. Criteria: ACMG Guidelines, 2015. Collection method: clinical testing. Allele origin: germline. Affected: yes. Observed: 2 variant alleles.

Hadassah Hebrew University Medical Center
Classification: Pathogenic for Pyruvate dehydrogenase E3 deficiency. Review status: criteria provided, single submitter. Criteria: ACMG Guidelines, 2015. Collection method: clinical testing. Allele origin: germline. Inheritance: Autosomal recessive inheritance. Affected: yes.

OMIM
Classification: Pathogenic for DIHYDROLIPOAMIDE DEHYDROGENASE DEFICIENCY. Last evaluated: 2007-04-10. Review status: no assertion criteria provided. Collection method: literature only. Allele origin: germline. Not counted in ClinVar's aggregate classification.

Literature cited by the submitters: PubMed 21996136 (cited by Victorian Clinical Genetics Services, Murdoch Childrens Research Institute and Labcorp Genetics (formerly Invitae), Labcorp); PubMed 10448086 (cited by 3 submitters); PubMed 23995961 (cited by Victorian Clinical Genetics Services, Murdoch Childrens Research Institute and Labcorp Genetics (formerly Invitae), Labcorp); PubMed 17404228 (cited by Labcorp Genetics (formerly Invitae), Labcorp and OMIM); PubMed 21558426 (cited by Labcorp Genetics (formerly Invitae), Labcorp); PubMed 21930696 (cited by Labcorp Genetics (formerly Invitae), Labcorp); PubMed 27544700 (cited by Labcorp Genetics (formerly Invitae), Labcorp); PubMed 15712224 (cited by OMIM).